The following is an entry in ClinVar:

ClinVar aggregate classification (germline): Pathogenic. Review status: criteria provided, multiple submitters, no conflicts (2 of 4 stars). 12 submissions from 12 submitters: Pathogenic (11). 1 of the submissions does not count toward it. Last evaluated 2026-01-25.

Conditions:
Glycogen storage disease IIIa (GSD IIIa). Also called: Glycogen Storage Disease Type IIIa (GSD IIIa). Identifiers: MedGen C1968739.
Glycogen storage disease type III (GSD3). Also called: FORBES DISEASE; Cori disease. Identifiers: Orphanet 366, MedGen C0017922, MONDO:0009291, OMIM 232400.

Submissions (12):

Natera, Inc.
Classification: Pathogenic for Glycogen storage disease type III. Last evaluated: 2026-01-25. Review status: criteria provided, single submitter. Criteria: Natera Variant Classification Schema (03/2026). Collection method: clinical testing. Allele origin: germline.
Comment: The c.3216_3217delGA variant in AGL is a frameshift variant predicted to shift the reading frame beginning at codon 1072 and leads to a stop codon 36 codons downstream. This variant is expected to result in nonsense mediated decay, truncation, or a dysfunctional protein product. This variant is rare in the general population with a frequency below the threshold expected for the associated phenotype(s). This variant has been observed in one or more individuals affected with the associated recessive disease, as either homozygous or compound heterozygous with a second variant (PMID: 22035446). Given the available evidence, this variant is classified as Pathogenic.

Labcorp Genetics (formerly Invitae), Labcorp
Classification: Pathogenic for Glycogen storage disease type III. Last evaluated: 2025-12-27. Review status: criteria provided, single submitter. Criteria: Invitae Variant Classification Sherloc (09022015). Collection method: clinical testing. Allele origin: germline.
Comment: This sequence change creates a premature translational stop signal (p.Glu1072Aspfs*36) in the AGL gene. It is expected to result in an absent or disrupted protein product. Loss-of-function variants in AGL are known to be pathogenic (PMID: 19299494). This variant is present in population databases (rs771069887, gnomAD 0.009%). This premature translational stop signal has been observed in individuals with glycogen storage disease type III (PMID: 20648714, 22035446, 28888851). For these reasons, this variant has been classified as Pathogenic.

3billion
Classification: Pathogenic for Glycogen storage disease type III. Last evaluated: 2025-11-25. Review status: criteria provided, single submitter. Criteria: ACMG Guidelines, 2015. Collection method: clinical testing. Allele origin: germline. Affected: yes.
Comment: The variant is observed at an extremely low frequency in the gnomAD v4.1.0 dataset (total allele frequency: <0.001%). Predicted Consequence/Location: Frameshift: predicted to result in a loss or disruption of normal protein function through nonsense-mediated decay (NMD) or protein truncation. Multiple pathogenic variants are reported downstream of the variant. The variant has been reported at least twice as pathogenic with clinical assertions and evidence for the classification (ClinVar ID: VCV000432008 /PMID: 20648714). Therefore, this variant is classified as Pathogenic according to the recommendation of ACMG/AMP guideline.

Baylor Genetics
Classification: Pathogenic for Glycogen storage disease type III. Last evaluated: 2024-01-22. Review status: criteria provided, single submitter. Criteria: ACMG Guidelines, 2015. Collection method: clinical testing. Allele origin: unknown.

GeneDx
Classification: Pathogenic. Last evaluated: 2022-07-13. Review status: criteria provided, single submitter. Criteria: GeneDx Variant Classification Process June 2021. Collection method: clinical testing. Allele origin: germline. Affected: yes.
Comment: Not observed at a significant frequency in large population cohorts (gnomAD); Frameshift variant predicted to result in protein truncation or nonsense mediated decay in a gene for which loss-of-function is a known mechanism of disease; This variant is associated with the following publications: (PMID: 27460348, 19754354, 20648714, 26885414, 23649758, 29809327, 22035446, 23507172, 25602008, 28888851, 31589614)

Fulgent Genetics
Classification: Pathogenic for Glycogen storage disease type III. Last evaluated: 2022-02-08. Review status: criteria provided, single submitter. Criteria: ACMG Guidelines, 2015. Collection method: clinical testing. Allele origin: unknown.

Dasa
Classification: Pathogenic for Glycogen storage disease type III. Last evaluated: 2022-01-05. Review status: criteria provided, single submitter. Criteria: ACMG Guidelines, 2015. Collection method: clinical testing. Allele origin: germline. Affected: yes. Observed: 1 variant allele.
Comment: The c.3216_3217del;p.(Glu1072Aspfs*36) is a null frameshift variant (NMD) in the AGL gene and predicts alteration of the nonsense-mediate decay - NMD is present in a relevantexon to the transcript -PVS1. This sequence change has been observed in affected individual(s) and ClinVar contains an entry for this variant (ClinVar ID: 432008; PMID: 20648714; 22035446; 28888851) - PS4. The variant is present at low allele frequencies population databases (rs771069887– gnomAD 0.003286%; ABraOM no frequency) - PM2_supporting. The p.(Glu1072Aspfs*36) was detected in trans with a pathogenic variant (PMID: 28888851) - PM3. In summary, the currently available evidence indicates that the variant is pathogenic.

Genome-Nilou Lab
Classification: Pathogenic for Glycogen storage disease type III. Last evaluated: 2021-07-15. Review status: criteria provided, single submitter. Criteria: ACMG Guidelines, 2015. Collection method: clinical testing. Allele origin: germline. Affected: no.

Women's Health and Genetics/Laboratory Corporation of America, LabCorp
Classification: Pathogenic for Glycogen storage disease IIIa. Last evaluated: 2016-12-30. Review status: criteria provided, single submitter. Criteria: LabCorp Variant Classification Summary - May 2015. Collection method: clinical testing. Allele origin: germline.
Comment: Variant summary: The AGL c.3216_3217delGA (p.Glu1072Aspfs) variant results in a premature termination codon, predicted to cause a truncated or absent AGL protein due to nonsense mediated decay, which are commonly known mechanisms for disease. This variant was found in 1/121086 control chromosomes at a frequency of 0.0000083, which does not exceed the estimated maximal expected allele frequency of a pathogenic AGL variant (0.0022822). The variant was reported in numerous affected individuals and was shown to result in no AGL activity in peripheral leukocytes. Taken together, this variant is classified as pathogenic.

Eurofins Ntd Llc (ga)
Classification: Pathogenic. Last evaluated: 2016-09-28. Review status: criteria provided, single submitter. Criteria: EGL Classification Definitions 2015. Collection method: clinical testing. Allele origin: germline. Observed: 2 variant alleles, 2 heterozygotes.

Clinical Genetics Service, Universitary Hospital 12 de Octubre
Classification: Pathogenic for Glycogen storage disease type III. Review status: criteria provided, single submitter. Criteria: ACMG Guidelines, 2015. Collection method: clinical testing. Allele origin: germline. Affected: yes.

Counsyl
Classification: Likely pathogenic for Glycogen storage disease type III. Last evaluated: 2015-07-11. Review status: no assertion criteria provided. Collection method: clinical testing. Allele origin: unknown. Not counted in ClinVar's aggregate classification.

Literature cited by the submitters: PubMed 22035446 (cited by 5 submitters); PubMed 19299494 (cited by Labcorp Genetics (formerly Invitae), Labcorp); PubMed 20648714 (cited by 5 submitters); PubMed 28888851 (cited by Labcorp Genetics (formerly Invitae), Labcorp and Dasa); PubMed 26913919 (cited by Women's Health and Genetics/Laboratory Corporation of America, LabCorp); PubMed 23507172 (cited by Women's Health and Genetics/Laboratory Corporation of America, LabCorp).

NM_000642.3(AGL):c.3216_3217del (p.Glu1072fs)

Gene: AGL (amylo-alpha-1,6-glucosidase and 4-alpha-glucanotransferase; plus strand). Cytogenetic location: 1p21.2.
Variant type: Microsatellite.
Coding change: c.3216_3217del on transcript NM_000642.3 (MANE Select); coding-DNA positions 3216 to 3217, 2 bases deleted (GA; older notation c.3216_3217delGA).
Protein change: p.Glu1072fs; shifts the reading frame from glutamic acid 1072.
Molecular consequence: frameshift variant.
Genome position (GRCh38, 1-based): chr1:99,892,564-99,892,565, GA deleted; deleting any 2 consecutive bases within chr1:99,892,562-99,892,565 gives the same sequence; the c. name uses the placement nearest the transcript's 3' end. VCF-style (leftmost placement, unchanged base first): chr1-99892561-TGA-T. GRCh37 (hg19) VCF-style: chr1-100358117-TGA-T.
Other names: c.3216_3217delGA (NM_000642.3); c.3214_3215GA[1], p.Glu1072Aspfs (NM_000028.3, NM_000643.3, NM_000644.3 and 1 more transcripts); c.3166_3167GA[1], p.Glu1056Aspfs (NM_000646.3); c.3193_3194GA[1], p.Glu1065Aspfs (NM_001425326.1); c.3013_3014GA[1], p.Glu1005Aspfs (NM_001425327.1); c.3010_3011GA[1], p.Glu1004Aspfs (NM_001425328.1); c.2875_2876GA[1], p.Glu959Aspfs (NM_001425329.1); c.2836_2837GA[1], p.Glu946Aspfs (NM_001425332.1); short protein forms E1056fs, E1072fs.
Identifiers: ClinVar variation 432008 (VCV000432008.30), dbSNP rs771069887, ClinGen allele CA966998.